The following is an entry in ClinVar:

NM_016604.4(KDM3B):c.2635C>G (p.Gln879Glu)

Gene: KDM3B (lysine demethylase 3B; plus strand). Cytogenetic location: 5q31.2.
Variant type: single nucleotide variant.
Coding change: c.2635C>G on transcript NM_016604.4 (MANE Select); coding-DNA position 2635, C replaced by G.
Protein change: p.Gln879Glu; replaces glutamine 879 with glutamic acid.
Molecular consequence: missense variant.
Genome position (GRCh38, 1-based): chr5:138,393,176, C>G. VCF-style: chr5-138393176-C-G. GRCh37 (hg19) VCF-style: chr5-137728865-C-G.
Other names: short protein forms Q879E.
Identifiers: ClinVar variation 4687504 (VCV004687504.1).

ClinVar aggregate classification (germline): Uncertain significance (1 of 4 stars; one submission).

Submission:

Women's Health and Genetics/Laboratory Corporation of America, LabCorp
Classification: Uncertain significance. Last evaluated: 2025-10-07. Review status: criteria provided, single submitter. Criteria: LabCorp Variant Classification Summary - May 2015. Collection method: clinical testing. Allele origin: germline.
Comment: Variant summary: KDM3B c.2635C>G (p.Gln879Glu) results in a conservative amino acid change in the encoded protein sequence. Algorithms developed to predict the effect of missense changes on protein structure and function are either unavailable or do not agree on the potential impact of this missense change. The variant was absent in 251348 control chromosomes. The available data on variant occurrences in the general population are insufficient to allow any conclusion about variant significance. To our knowledge, no occurrence of c.2635C>G in individuals affected with KDM3B-related conditions and no experimental evidence demonstrating its impact on protein function have been reported. No submitters have cited clinical-significance assessments for this variant to ClinVar. Based on the evidence outlined above, the variant was classified as uncertain significance.